The following is an entry in ClinVar:

ClinVar aggregate classification (germline): Uncertain significance (1 of 4 stars; one submission).

Submission:

GeneDx
Classification: Uncertain significance. Last evaluated: 2024-03-12. Review status: criteria provided, single submitter. Criteria: GeneDx Variant Classification Process June 2021. Collection method: clinical testing. Allele origin: germline. Affected: yes.
Comment: Not observed at significant frequency in large population cohorts (gnomAD); In silico analysis supports that this missense variant does not alter protein structure/function; Has not been previously published as pathogenic or benign to our knowledge

NM_015570.4(AUTS2):c.3049G>T (p.Gly1017Trp)

Gene: AUTS2 (activator of transcription and developmental regulator AUTS2; plus strand). Cytogenetic location: 7q11.22.
Variant type: single nucleotide variant.
Coding change: c.3049G>T on transcript NM_015570.4 (MANE Select); coding-DNA position 3049, G replaced by T.
Protein change: p.Gly1017Trp; replaces glycine 1017 with tryptophan.
Molecular consequence: missense variant.
Genome position (GRCh38, 1-based): chr7:70,790,265, G>T. VCF-style: chr7-70790265-G-T. GRCh37 (hg19) VCF-style: chr7-70255251-G-T.
Other names: c.2977G>T, p.Gly993Trp (NM_001127231.3); short protein forms G1017W, G993W.
Identifiers: ClinVar variation 3370952 (VCV003370952.1).